The following is an entry in ClinVar:

NM_001161352.2(KCNMA1):c.3575C>T (p.Ser1192Phe)

Gene: KCNMA1 (potassium calcium-activated channel subfamily M alpha 1; minus strand). Cytogenetic location: 10q22.3.
Variant type: single nucleotide variant.
Coding change: c.3575C>T on transcript NM_001161352.2 (MANE Select); coding-DNA position 3575, C replaced by T.
Protein change: p.Ser1192Phe; replaces serine 1192 with phenylalanine.
Molecular consequence: missense variant.
Genome position (GRCh38, 1-based): chr10:76,887,402, G>A on the plus strand (C>T on the coding strand, the complement: KCNMA1 is on the minus strand). VCF-style: chr10-76887402-G-A. GRCh37 (hg19) VCF-style: chr10-78647160-G-A.
Other names: c.3413C>T, p.Ser1138Phe (NM_001014797.3); c.3524C>T, p.Ser1175Phe (NM_001161353.2); c.3251C>T, p.Ser1084Phe (NM_001271518.2); c.3491C>T, p.Ser1164Phe (NM_001271519.2); c.3410C>T, p.Ser1137Phe (NM_001322829.2, NM_001322836.2); c.3503C>T, p.Ser1168Phe (NM_001322830.2); c.3401C>T, p.Ser1134Phe (NM_001322832.2, NM_001410940.1, NM_002247.4); c.3494C>T, p.Ser1165Phe (NM_001322835.2, NM_001322837.2); and 2 more; short protein forms S1134F, S983F, S1084F, S1168F, S1175F, S1137F, S1138F, S1164F.
Identifiers: ClinVar variation 1994825 (VCV001994825.5), dbSNP rs2548008472, ClinGen allele CA377402723.
Genomic context (GRCh38, chr10:76,887,402, plus strand): 5'-GTGGATGGGATGGAGTGAACAGAGGAGCTCTTCTTGCTGGAGGACTGCGACGAGTGGGAG[G>A]AATGGGACAGGCTGGCCCGGGACTGGCCGGCATTGTGGTCAAACTGCATTAAGCAGAAGA-3'
Protein context (NP_001154824.1, residues 1182-1202): AGQSRASLSH[Ser1192Phe]SHSSQSSSKK

ClinVar aggregate classification (germline): Uncertain significance. Review status: criteria provided, multiple submitters, no conflicts (2 of 4 stars). 2 submissions from 2 submitters: Uncertain significance (2). Last evaluated 2024-12-06.

Conditions:
Generalized epilepsy-paroxysmal dyskinesia syndrome (PNKD3). Also called: Generalized epilepsy and paroxysmal dyskinesia; Paroxysmal nonkinesigenic dyskinesia, 3, with or without generalized epilepsy. Identifiers: Orphanet 79137, MedGen C5574945, MONDO:0012276, OMIM 609446.
Inborn genetic diseases. Identifiers: MedGen C0950123, MeSH D030342.

Allele frequency attached by ClinVar (database versions not stated): gnomAD exomes below 0.00001.
gnomAD v4.1: 3 of 1,614,170 alleles (0.00019%); highest among the groups gnomAD compares: East Asian, 0.0022%; no homozygotes.

Submissions (2):

Ambry Genetics
Classification: Uncertain significance for Inborn genetic diseases. Last evaluated: 2024-12-06. Review status: criteria provided, single submitter. Criteria: Ambry Variant Classification Scheme 2023. Collection method: clinical testing. Allele origin: germline.

Labcorp Genetics (formerly Invitae), Labcorp
Classification: Uncertain significance for Generalized epilepsy-paroxysmal dyskinesia syndrome. Last evaluated: 2024-10-29. Review status: criteria provided, single submitter. Criteria: Invitae Variant Classification Sherloc (09022015). Collection method: clinical testing. Allele origin: germline.
Comment: This sequence change replaces serine, which is neutral and polar, with phenylalanine, which is neutral and non-polar, at codon 1134 of the KCNMA1 protein (p.Ser1134Phe). This variant is not present in population databases (gnomAD no frequency). This variant has not been reported in the literature in individuals affected with KCNMA1-related conditions. ClinVar contains an entry for this variant (Variation ID: 1994825). An algorithm developed to predict the effect of missense changes on protein structure and function (PolyPhen-2) suggests that this variant is likely to be disruptive. In summary, the available evidence is currently insufficient to determine the role of this variant in disease. Therefore, it has been classified as a Variant of Uncertain Significance.